The following is an entry in ClinVar:

ClinVar aggregate classification (germline): Benign (1 of 4 stars; one submission).

Conditions:
Tuberous sclerosis 1 (TSC1). Identifiers: Orphanet 805, MedGen C1854465, MONDO:0008612, OMIM 191100.

Submission:

Myriad Genetics, Inc.
Classification: Benign for Tuberous sclerosis 1. Last evaluated: 2025-04-10. Review status: criteria provided, single submitter. Criteria: Myriad Autosomal Dominant, Autosomal Recessive and X-Linked Classification Criteria (2023). Collection method: clinical testing. Allele origin: unknown.
Comment: This variant is considered benign. This variant is a silent/synonymous amino acid change and it is not expected to impact splicing.

NM_000368.5(TSC1):c.1554G>A (p.Lys518=)

Gene: TSC1 (TSC complex subunit 1; minus strand). Cytogenetic location: 9q34.13.
Variant type: single nucleotide variant.
Coding change: c.1554G>A on transcript NM_000368.5 (MANE Select); coding-DNA position 1554, G replaced by A.
Protein change: p.Lys518=; no amino-acid change (lysine 518 retained).
Molecular consequence: synonymous variant. On other transcripts: non-coding transcript variant (5).
Genome position (GRCh38, 1-based): chr9:132,906,024, C>T on the plus strand (G>A on the coding strand, the complement: TSC1 is on the minus strand). VCF-style: chr9-132906024-C-T. GRCh37 (hg19) VCF-style: chr9-135781411-C-T.
Other names: c.1551G>A, p.Lys517= (NM_001162426.2, NM_001406597.1, NM_001406598.1 and 6 more transcripts); c.1401G>A, p.Lys467= (NM_001162427.2, NM_001406610.1); c.1191G>A, p.Lys397= (NM_001362177.2, NM_001406614.1, NM_001406615.1 and 5 more transcripts); c.1554G>A, p.Lys518= (NM_001406592.1, NM_001406593.1, NM_001406594.1 and 7 more transcripts); c.1398G>A, p.Lys466= (NM_001406611.1, NM_001406612.1, NM_001406613.1); c.1188G>A, p.Lys396= (NM_001406620.1, NM_001406621.1, NM_001406622.1 and 2 more transcripts); c.603G>A, p.Lys201= (NM_001406626.1); c.600G>A, p.Lys200= (NM_001406627.1, NM_001406628.1); and 1 more.
Identifiers: ClinVar variation 4071051 (VCV004071051.1).